The following is an entry in ClinVar:

NM_212482.4(FN1):c.5164+4C>T

Gene: FN1 (fibronectin 1; minus strand). Cytogenetic location: 2q35.
Variant type: single nucleotide variant.
Coding change: c.5164+4C>T on transcript NM_212482.4 (MANE Select); 4 bases into the intron after coding-DNA position 5164, C replaced by T.
Molecular consequence: intron variant.
Genome position (GRCh38, 1-based): chr2:215,382,208, G>A on the plus strand (C>T on the coding strand, the complement: FN1 is on the minus strand). VCF-style: chr2-215382208-G-A. GRCh37 (hg19) VCF-style: chr2-216246931-G-A.
Other names: c.4891+4C>T (NM_212474.3, NM_001306132.2, NM_001365523.2 and 7 more transcripts); c.5164+4C>T (NM_001306130.2, NM_001365522.2, NM_001365519.2 and 3 more transcripts).
Identifiers: ClinVar variation 2166150 (VCV002166150.5), dbSNP rs750452839, ClinGen allele CA2094219.

ClinVar aggregate classification (germline): Uncertain significance. Review status: criteria provided, multiple submitters, no conflicts (2 of 4 stars). 2 submissions from 2 submitters: Uncertain significance (2). Last evaluated 2025-05-19.

Conditions:
Glomerulopathy with fibronectin deposits 2 (GFND2). Identifiers: Orphanet 84090, MedGen C1866075, MONDO:0011165, OMIM 601894.
Spondylometaphyseal dysplasia - Sutcliffe type. Also called: Sutcliffe type of spondylometaphyseal dysplasia; Sutcliffe SMD; Spondylometaphyseal dysplasia, 'corner fracture' type; Spondylometaphyseal Dysplasia, Corner Fracture Type. Identifiers: Orphanet 93315, MedGen C0432221, MONDO:0008479, OMIM 184255.

Allele frequency attached by ClinVar (database versions not stated): gnomAD 0.00001; ExAC 0.00002; TOPMed 0.00002.
gnomAD v4.1: 25 of 1,595,026 alleles (0.0016%); highest among the groups gnomAD compares: Admixed American, 0.0033%; no homozygotes.

Submissions (2):

Labcorp Genetics (formerly Invitae), Labcorp
Classification: Uncertain significance. Last evaluated: 2025-05-19. Review status: criteria provided, single submitter. Criteria: Invitae Variant Classification Sherloc (09022015). Collection method: clinical testing. Allele origin: germline.
Comment: This sequence change falls in intron 32 of the FN1 gene. It does not directly change the encoded amino acid sequence of the FN1 protein. It affects a nucleotide within the consensus splice site. This variant is present in population databases (rs750452839, gnomAD 0.01%). This variant has not been reported in the literature in individuals affected with FN1-related conditions. ClinVar contains an entry for this variant (Variation ID: 2166150). Variants that disrupt the consensus splice site are a relatively common cause of aberrant splicing (PMID: 17576681, 9536098). Algorithms developed to predict the effect of sequence changes on RNA splicing suggest that this variant is not likely to affect RNA splicing. In summary, the available evidence is currently insufficient to determine the role of this variant in disease. Therefore, it has been classified as a Variant of Uncertain Significance.

Fulgent Genetics
Classification: Uncertain significance for Spondylometaphyseal dysplasia - Sutcliffe type; Glomerulopathy with fibronectin deposits 2. Last evaluated: 2024-03-18. Review status: criteria provided, single submitter. Criteria: ACMG Guidelines, 2015. Collection method: clinical testing. Allele origin: germline.

Literature cited by the submitters: PubMed 17576681 (cited by Labcorp Genetics (formerly Invitae), Labcorp); PubMed 9536098 (cited by Labcorp Genetics (formerly Invitae), Labcorp).